The following is an entry in ClinVar:

ClinVar aggregate classification (germline): Likely benign (1 of 4 stars; one submission).

Allele frequency attached by ClinVar (database versions not stated): gnomAD exomes below 0.00001; ExAC 0.00001; gnomAD 0.00001; TOPMed 0.00001.
gnomAD v4.1: 2 of 1,602,838 alleles (0.00012%); highest among the groups gnomAD compares: Admixed American, 0.0034%; no homozygotes.

Submission:

CeGaT Center for Human Genetics Tuebingen
Classification: Likely benign. Last evaluated: 2024-06-01. Review status: criteria provided, single submitter. Criteria: CeGaT Center For Human Genetics Tuebingen Variant Classification Criteria Version 2. Collection method: clinical testing. Allele origin: germline. Affected: yes. Observed: 1 variant allele.
Comment: NBEA: BP4, BP7

NM_001385012.1(NBEA):c.1389A>G (p.Lys463=)

Gene: NBEA (neurobeachin; plus strand). Cytogenetic location: 13q13.3.
Variant type: single nucleotide variant.
Coding change: c.1389A>G on transcript NM_001385012.1 (MANE Select); coding-DNA position 1389, A replaced by G.
Protein change: p.Lys463=; no amino-acid change (lysine 463 retained).
Molecular consequence: synonymous variant.
Genome position (GRCh38, 1-based): chr13:35,070,057, A>G. VCF-style: chr13-35070057-A-G. GRCh37 (hg19) VCF-style: chr13-35644194-A-G.
Other names: c.1389A>G, p.Lys463= (NM_001379245.1, NM_015678.5).
Identifiers: ClinVar variation 3250933 (VCV003250933.18), dbSNP rs773602228.